The following is an entry in ClinVar:

NM_033380.3(COL4A5):c.2226dup (p.Gly743fs)

Gene: COL4A5 (collagen type IV alpha 5 chain; plus strand). Cytogenetic location: Xq22.3.
Variant type: Duplication.
Coding change: c.2226dup on transcript NM_033380.3 (MANE Select); coding-DNA position 2226, one base duplicated (C; older notation c.2226dupC).
Protein change: p.Gly743fs; shifts the reading frame from glycine 743.
Molecular consequence: frameshift variant.
Genome position (GRCh38, 1-based): chrX:108,603,043, C duplicated; the last of 3 consecutive C bases (chrX:108,603,041-108,603,043); duplicating any one gives the same sequence. VCF-style (leftmost placement, unchanged base first): chrX-108603040-A-AC. GRCh37 (hg19) VCF-style: chrX-107846270-A-AC.
Other names: c.2226dup, p.Gly743fs (NM_000495.5); short protein forms G743fs.
Identifiers: ClinVar variation 5011766 (VCV005011766.1).

ClinVar aggregate classification (germline): Pathogenic (1 of 4 stars; one submission).

Conditions:
X-linked Alport syndrome (ATS1). Also called: NEPHROPATHY AND DEAFNESS, X-LINKED; COL4A5-Related Nephropathy. Identifiers: Orphanet 63, Orphanet 88917, MedGen C4746986, MONDO:0010520, OMIM 301050.

Submission:

Myriad Genetics, Inc.
Classification: Pathogenic for X-linked Alport syndrome. Last evaluated: 2023-09-27. Review status: criteria provided, single submitter. Criteria: Myriad Autosomal Dominant, Autosomal Recessive and X-Linked Classification Criteria (2023). Collection method: clinical testing. Allele origin: unknown.
Comment: NM_000495.4(COL4A5):c.2226dupC(G743Rfs*8) is expected to be pathogenic in the context of X-linked Alport syndrome. This variant is predicted to lead to an abnormal or absent protein product due to the creation of a premature termination codon in COL4A5, a gene where loss-of-function variants are known to be pathogenic. Please note: this variant was assessed in the context of healthy population screening.